The following is an entry in ClinVar:

NM_016734.3(PAX5):c.454C>T (p.Pro152Ser)

Genes: PAX5 (paired box 5; minus strand), LOC105376032 (uncharacterized LOC105376032; plus strand). Cytogenetic location: 9p13.2.
Variant type: single nucleotide variant.
Coding change: c.454C>T on transcript NM_016734.3 (MANE Select); coding-DNA position 454, C replaced by T.
Protein change: p.Pro152Ser; replaces proline 152 with serine.
Molecular consequence: missense variant. On other transcripts: non-coding transcript variant (2).
Genome position (GRCh38, 1-based): chr9:37,006,494, G>A on the plus strand (C>T on the coding strand, the complement: PAX5 is on the minus strand). VCF-style: chr9-37006494-G-A. GRCh37 (hg19) VCF-style: chr9-37006491-G-A.
Other names: c.454C>T, p.Pro152Ser (NM_001280547.2, NM_001280548.2, NM_001280549.2 and 4 more transcripts); c.130C>T, p.Pro44Ser (NM_001280551.2, NM_001280556.2); c.256C>T, p.Pro86Ser (NM_001280555.2); short protein forms P86S, P44S, P152S.
Identifiers: ClinVar variation 3885932 (VCV003885932.1).
Genomic context (GRCh38, chr9:37,006,494, plus strand): 5'-CCATTAGATTTTTAAATTTTTTTTAAAAGTTCCTCTTACCTATGCTGTGACTGGAAGCTG[G>A]GACTGGTTGGTTGGGTGGCTGCTGTACTTTTGTCCGGATGATCCTGTGGGCAGTTGAAAA-3'
Protein context (NP_057953.1, residues 142-162): KVQQPPNQPV[Pro152Ser]ASSHSIVSTG

ClinVar aggregate classification (germline): Uncertain significance (1 of 4 stars; one submission).

Conditions:
Inborn genetic diseases. Identifiers: MedGen C0950123, MeSH D030342.

Submission:

Ambry Genetics
Classification: Uncertain significance for Inborn genetic diseases. Last evaluated: 2025-01-20. Review status: criteria provided, single submitter. Criteria: Ambry Variant Classification Scheme 2023. Collection method: clinical testing. Allele origin: germline.
Comment: The p.P152S variant (also known as c.454C>T), located in coding exon 4 of the PAX5 gene, results from a C to T substitution at nucleotide position 454. The proline at codon 152 is replaced by serine, an amino acid with similar properties. This amino acid position is conserved. In addition, this alteration is predicted to be tolerated by in silico analysis. Based on the available evidence, the clinical significance of this variant remains unclear.